The following is an entry in ClinVar:

ClinVar aggregate classification (germline): Uncertain significance (1 of 4 stars; one submission).

Conditions:
Fanconi anemia (FA). Also called: Fanconi's anemia. Identifiers: Orphanet 84, MedGen C0015625, MeSH D005199, MONDO:0019391.

Submission:

Labcorp Genetics (formerly Invitae), Labcorp
Classification: Uncertain significance for Fanconi anemia. Last evaluated: 2021-10-19. Review status: criteria provided, single submitter. Criteria: Invitae Variant Classification Sherloc (09022015). Collection method: clinical testing. Allele origin: germline.
Comment: In summary, the available evidence is currently insufficient to determine the role of this variant in disease. Therefore, it has been classified as a Variant of Uncertain Significance. This sequence change replaces glycine with valine at codon 388 of the FANCM protein (p.Gly388Val). The glycine residue is moderately conserved and there is a moderate physicochemical difference between glycine and valine. This variant is not present in population databases (ExAC no frequency). This variant has not been reported in the literature in individuals affected with FANCM-related conditions. Algorithms developed to predict the effect of missense changes on protein structure and function are either unavailable or do not agree on the potential impact of this missense change (SIFT: "Deleterious"; PolyPhen-2: "Possibly Damaging"; Align-GVGD: "Class C0").

NM_020937.4(FANCM):c.1163G>T (p.Gly388Val)

Gene: FANCM (FA complementation group M; plus strand). Cytogenetic location: 14q21.2.
Variant type: single nucleotide variant.
Coding change: c.1163G>T on transcript NM_020937.4 (MANE Select); coding-DNA position 1163, G replaced by T.
Protein change: p.Gly388Val; replaces glycine 388 with valine.
Molecular consequence: missense variant.
Genome position (GRCh38, 1-based): chr14:45,154,032, G>T. VCF-style: chr14-45154032-G-T. GRCh37 (hg19) VCF-style: chr14-45623235-G-T.
Other names: c.1085G>T, p.Gly362Val (NM_001308133.2); c.1163G>T, p.Gly388Val (NM_001308134.2); short protein forms G388V, G362V.
Identifiers: ClinVar variation 1403092 (VCV001403092.6), dbSNP rs2139169070, ClinGen allele CA389591027.